The following is an entry in ClinVar:

ClinVar aggregate classification (germline): Uncertain significance. Review status: criteria provided, multiple submitters, no conflicts (2 of 4 stars). 3 submissions from 3 submitters: Uncertain significance (3). Last evaluated 2024-08-30.

Allele frequency attached by ClinVar (database versions not stated): TOPMed below 0.00001; gnomAD exomes 0.00001.
gnomAD v4.1: 8 of 1,609,978 alleles (0.0005%); highest among the groups gnomAD compares: Non-Finnish European, 0.00068%; no homozygotes.

Submissions (3):

Blueprint Genetics
Classification: Uncertain significance. Last evaluated: 2024-08-30. Review status: criteria provided, single submitter. Criteria: ACMG Guidelines, 2015. Collection method: clinical testing. Allele origin: germline.

Labcorp Genetics (formerly Invitae), Labcorp
Classification: Uncertain significance. Last evaluated: 2024-08-27. Review status: criteria provided, single submitter. Criteria: Invitae Variant Classification Sherloc (09022015). Collection method: clinical testing. Allele origin: germline.
Comment: This sequence change replaces proline, which is neutral and non-polar, with serine, which is neutral and polar, at codon 483 of the ANKRD26 protein (p.Pro483Ser). This variant is present in population databases (no rsID available, gnomAD 0.0009%). This variant has not been reported in the literature in individuals affected with ANKRD26-related conditions. An algorithm developed to predict the effect of missense changes on protein structure and function (PolyPhen-2) suggests that this variant is likely to be disruptive. In summary, the available evidence is currently insufficient to determine the role of this variant in disease. Therefore, it has been classified as a Variant of Uncertain Significance.

GeneDx
Classification: Uncertain significance. Last evaluated: 2024-04-23. Review status: criteria provided, single submitter. Criteria: GeneDx Variant Classification Process June 2021. Collection method: clinical testing. Allele origin: germline. Affected: yes.
Comment: Not observed at significant frequency in large population cohorts (gnomAD); In silico analysis supports that this missense variant has a deleterious effect on protein structure/function; Has not been previously published as pathogenic or benign to our knowledge; In silico analysis is inconclusive as to whether the variant alters gene splicing. In the absence of RNA/functional studies, the actual effect of this sequence change is unknown.

NM_014915.3(ANKRD26):c.1447C>T (p.Pro483Ser)

Gene: ANKRD26 (ankyrin repeat domain 26; minus strand). Cytogenetic location: 10p12.1.
Variant type: single nucleotide variant.
Coding change: c.1447C>T on transcript NM_014915.3 (MANE Select); coding-DNA position 1447, C replaced by T.
Protein change: p.Pro483Ser; replaces proline 483 with serine.
Molecular consequence: missense variant.
Genome position (GRCh38, 1-based): chr10:27,061,159, G>A on the plus strand (C>T on the coding strand, the complement: ANKRD26 is on the minus strand). VCF-style: chr10-27061159-G-A. GRCh37 (hg19) VCF-style: chr10-27350088-G-A.
Other names: c.1447C>T, p.Pro483Ser (NM_001256053.2); short protein forms P483S.
Identifiers: ClinVar variation 2713619 (VCV002713619.5), dbSNP rs1350668871, ClinGen allele CA376357989.